The following is an entry in ClinVar:

ClinVar aggregate classification (germline): Uncertain significance. Review status: criteria provided, multiple submitters, no conflicts (2 of 4 stars). 2 submissions from 2 submitters: Uncertain significance (2). Last evaluated 2024-07-05.

Conditions:
Dilated cardiomyopathy 1JJ (CMD1JJ). Identifiers: Orphanet 154, MedGen C3808935, MONDO:0014095, OMIM 615235.
Cardiovascular phenotype. Identifiers: MedGen CN230736.

Submissions (2):

Ambry Genetics
Classification: Uncertain significance for Cardiovascular phenotype. Last evaluated: 2024-07-05. Review status: criteria provided, single submitter. Criteria: Ambry Variant Classification Scheme 2023. Collection method: clinical testing. Allele origin: germline.
Comment: The p.M1195V variant (also known as c.3583A>G), located in coding exon 26 of the LAMA4 gene, results from an A to G substitution at nucleotide position 3583. The methionine at codon 1195 is replaced by valine, an amino acid with highly similar properties. This amino acid position is not well conserved in available vertebrate species. In addition, this alteration is predicted to be tolerated by in silico analysis. The evidence for this gene-disease relationship is limited; therefore, the clinical significance of this alteration is unclear.

Labcorp Genetics (formerly Invitae), Labcorp
Classification: Uncertain significance for Dilated cardiomyopathy 1JJ. Last evaluated: 2024-06-11. Review status: criteria provided, single submitter. Criteria: Invitae Variant Classification Sherloc (09022015). Collection method: clinical testing. Allele origin: germline.
Comment: This sequence change replaces methionine, which is neutral and non-polar, with valine, which is neutral and non-polar, at codon 1195 of the LAMA4 protein (p.Met1195Val). This variant is present in population databases (rs537143093, gnomAD 0.007%). This variant has not been reported in the literature in individuals affected with LAMA4-related conditions. An algorithm developed to predict the effect of missense changes on protein structure and function (PolyPhen-2) suggests that this variant is likely to be disruptive. In summary, the available evidence is currently insufficient to determine the role of this variant in disease. Therefore, it has been classified as a Variant of Uncertain Significance.

NM_001105206.3(LAMA4):c.3604A>G (p.Met1202Val)

Gene: LAMA4 (laminin subunit alpha 4; minus strand). Cytogenetic location: 6q21.
Variant type: single nucleotide variant.
Coding change: c.3604A>G on transcript NM_001105206.3 (MANE Select); coding-DNA position 3604, A replaced by G.
Protein change: p.Met1202Val; replaces methionine 1202 with valine.
Molecular consequence: missense variant.
Genome position (GRCh38, 1-based): chr6:112,133,441, T>C on the plus strand (A>G on the coding strand, the complement: LAMA4 is on the minus strand). VCF-style: chr6-112133441-T-C. GRCh37 (hg19) VCF-style: chr6-112454643-T-C.
Other names: c.3583A>G, p.Met1195Val (NM_001105207.3, NM_002290.5); short protein forms M1202V, M1195V.
Identifiers: ClinVar variation 3536933 (VCV003536933.3).